The following is an entry in ClinVar:

ClinVar aggregate classification (germline): Pathogenic (1 of 4 stars; one submission).

Conditions:
Ichthyosis linearis circumflexa. Identifiers: MedGen C0265962, MONDO:0043106, HP:0025810.

Submission:

Labcorp Genetics (formerly Invitae), Labcorp
Classification: Pathogenic for Ichthyosis linearis circumflexa. Last evaluated: 2022-06-22. Review status: criteria provided, single submitter. Criteria: Invitae Variant Classification Sherloc (09022015). Collection method: clinical testing. Allele origin: germline.
Comment: For these reasons, this variant has been classified as Pathogenic. This sequence change creates a premature translational stop signal (p.Asp828Alafs*96) in the SPINK5 gene. It is expected to result in an absent or disrupted protein product. Loss-of-function variants in SPINK5 are known to be pathogenic (PMID: 11511292, 11841556). This variant is not present in population databases (gnomAD no frequency). This variant has not been reported in the literature in individuals affected with SPINK5-related conditions.

Literature cited by the submitters: PubMed 11511292; PubMed 11841556.

NM_006846.4(SPINK5):c.2483del (p.Asp828fs)

Gene: SPINK5 (serine peptidase inhibitor Kazal type 5; plus strand). Cytogenetic location: 5q32.
Variant type: Deletion.
Coding change: c.2483del on transcript NM_006846.4 (MANE Select); coding-DNA position 2483, one base deleted (A; older notation c.2483delA).
Protein change: p.Asp828fs; shifts the reading frame from aspartic acid 828.
Molecular consequence: frameshift variant.
Genome position (GRCh38, 1-based): chr5:148,120,336, A deleted. VCF-style (leftmost placement, unchanged base first): chr5-148120335-GA-G. GRCh37 (hg19) VCF-style: chr5-147499898-GA-G.
Other names: c.2483del, p.Asp828fs (NM_001127698.2, NM_001127699.2); short protein forms D828fs.
Identifiers: ClinVar variation 2009491 (VCV002009491.4), dbSNP rs2531788776, ClinGen allele CA2580073035.